The following is an entry in ClinVar:

NM_018419.3(SOX18):c.167G>T (p.Arg56Leu)

Genes: SOX18 (SRY-box transcription factor 18; minus strand), LOC130066420 (ATAC-STARR-seq lymphoblastoid silent region 13204; plus strand). Cytogenetic location: 20q13.33.
Variant type: single nucleotide variant.
Coding change: c.167G>T on transcript NM_018419.3 (MANE Select); coding-DNA position 167, G replaced by T.
Protein change: p.Arg56Leu; replaces arginine 56 with leucine.
Molecular consequence: missense variant.
Genome position (GRCh38, 1-based): chr20:64,049,350, C>A on the plus strand (G>T on the coding strand, the complement: SOX18 is on the minus strand). VCF-style: chr20-64049350-C-A. GRCh37 (hg19) VCF-style: chr20-62680703-C-A.
Other names: short protein forms R56L.
Identifiers: ClinVar variation 2717467 (VCV002717467.3), dbSNP rs774170174, ClinGen allele CA9972993.
Genomic context (GRCh38, chr20:64,049,350, plus strand): 5'-TCCCCGCGGCCGGCCGGGCTGAGGCCATAGCGCCCCGGCTCGGGGCTGCGCGGGGGACTG[C>A]GCTGCGGGCTGGGCGGCGAGGCGGGCGCGGCGGGCGCGGCGAGGGCGGCGGGGCCGGCGG-3'
Protein context (NP_060889.1, residues 46-66): AAPASPPSPQ[Arg56Leu]SPPRSPEPGR

ClinVar aggregate classification (germline): Uncertain significance (1 of 4 stars; one submission).

Allele frequency attached by ClinVar (database versions not stated): TOPMed 0.00001.

Submission:

Labcorp Genetics (formerly Invitae), Labcorp
Classification: Uncertain significance. Last evaluated: 2022-11-08. Review status: criteria provided, single submitter. Criteria: Invitae Variant Classification Sherloc (09022015). Collection method: clinical testing. Allele origin: germline.
Comment: In summary, the available evidence is currently insufficient to determine the role of this variant in disease. Therefore, it has been classified as a Variant of Uncertain Significance. Advanced modeling of protein sequence and biophysical properties (such as structural, functional, and spatial information, amino acid conservation, physicochemical variation, residue mobility, and thermodynamic stability) performed at Invitae indicates that this missense variant is not expected to disrupt SOX18 protein function. This variant has not been reported in the literature in individuals affected with SOX18-related conditions. The frequency data for this variant in the population databases is considered unreliable, as metrics indicate poor data quality at this position in the gnomAD database. This sequence change replaces arginine, which is basic and polar, with leucine, which is neutral and non-polar, at codon 56 of the SOX18 protein (p.Arg56Leu).